The following is an entry in ClinVar:

ClinVar aggregate classification (germline): Uncertain significance. Review status: criteria provided, multiple submitters, no conflicts (2 of 4 stars). 2 submissions from 2 submitters: Uncertain significance (2). Last evaluated 2025-07-20.

Conditions:
Hereditary cancer-predisposing syndrome. Also called: Neoplastic Syndromes, Hereditary; Hereditary Cancer Syndrome; Hereditary neoplastic syndrome; Tumor predisposition. Identifiers: Orphanet 140162, MedGen C0027672, MeSH D009386, MONDO:0015356.
Hereditary diffuse gastric adenocarcinoma (HDGC). Also called: DIFFUSE GASTRIC AND LOBULAR BREAST CANCER SYNDROME. Identifiers: Orphanet 26106, MedGen C1708349, MONDO:0007648, OMIM 137215.

Submissions (2):

Labcorp Genetics (formerly Invitae), Labcorp
Classification: Uncertain significance for Hereditary diffuse gastric adenocarcinoma. Last evaluated: 2025-07-20. Review status: criteria provided, single submitter. Criteria: Invitae Variant Classification Sherloc (09022015). Collection method: clinical testing. Allele origin: germline.
Comment: This sequence change replaces proline, which is neutral and non-polar, with arginine, which is basic and polar, at codon 219 of the CDH1 protein (p.Pro219Arg). This variant is not present in population databases (gnomAD no frequency). This variant has not been reported in the literature in individuals affected with CDH1-related conditions. ClinVar contains an entry for this variant (Variation ID: 847383). An algorithm developed to predict the effect of missense changes on protein structure and function (PolyPhen-2) suggests that this variant is likely to be disruptive. In summary, the available evidence is currently insufficient to determine the role of this variant in disease. Therefore, it has been classified as a Variant of Uncertain Significance.

Ambry Genetics
Classification: Uncertain significance for Hereditary cancer-predisposing syndrome. Last evaluated: 2022-11-06. Review status: criteria provided, single submitter. Criteria: Ambry Variant Classification Scheme 2023. Collection method: clinical testing. Allele origin: germline.
Comment: The p.P219R variant (also known as c.656C>G), located in coding exon 5 of the CDH1 gene, results from a C to G substitution at nucleotide position 656. The proline at codon 219 is replaced by arginine, an amino acid with dissimilar properties. This amino acid position is conserved. In addition, the in silico prediction for this alteration is inconclusive. Since supporting evidence is limited at this time, the clinical significance of this alteration remains unclear.

NM_004360.5(CDH1):c.656C>G (p.Pro219Arg)

Gene: CDH1 (cadherin 1; plus strand). Cytogenetic location: 16q22.1.
Variant type: single nucleotide variant.
Coding change: c.656C>G on transcript NM_004360.5 (MANE Select); coding-DNA position 656, C replaced by G.
Protein change: p.Pro219Arg; replaces proline 219 with arginine.
Molecular consequence: missense variant. On other transcripts: 5 prime UTR variant (2).
Genome position (GRCh38, 1-based): chr16:68,808,817, C>G. VCF-style: chr16-68808817-C-G. GRCh37 (hg19) VCF-style: chr16-68842720-C-G.
Other names: c.656C>G, p.Pro219Arg (NM_001317184.2); c.-960C>G (NM_001317185.2); c.-1164C>G (NM_001317186.2); short protein forms P219R.
Identifiers: ClinVar variation 847383 (VCV000847383.11), dbSNP rs1960742618, ClinGen allele CA396458099.
Genomic context (GRCh38, chr16:68,808,817, plus strand): 5'-CACCCCCTGTTGGTGTCTTTATTATTGAAAGAGAAACAGGATGGCTGAAGGTGACAGAGC[C>G]TCTGGATAGAGAACGCATTGCCACATACACTGTAAGTATCTCTTAGAAGCTTGTTGACAC-3'
Protein context (NP_004351.1, residues 209-229): RETGWLKVTE[Pro219Arg]LDRERIATYT